The following is an entry in ClinVar:

NM_012387.3(PADI4):c.456G>T (p.Val152=)

Gene: PADI4 (peptidyl arginine deiminase 4; plus strand). Cytogenetic location: 1p36.13.
Variant type: single nucleotide variant.
Coding change: c.456G>T on transcript NM_012387.3 (MANE Select); coding-DNA position 456, G replaced by T.
Protein change: p.Val152=; no amino-acid change (valine 152 retained).
Molecular consequence: synonymous variant.
Genome position (GRCh38, 1-based): chr1:17,338,085, G>T. VCF-style: chr1-17338085-G-T. GRCh37 (hg19) VCF-style: chr1-17664580-G-T.
Identifiers: ClinVar variation 3057244 (VCV003057244.2), dbSNP rs779399204, ClinGen allele CA640534.

ClinVar aggregate classification (germline): Likely benign (0 of 4 stars; one submission).

Conditions:
PADI4-related disorder. Also called: PADI4-related condition.

Allele frequency attached by ClinVar (database versions not stated): TOPMed 0.00001; gnomAD 0.00003; ExAC 0.00009.
gnomAD v4.1: 91 of 1,613,694 alleles (0.0056%); highest among the groups gnomAD compares: South Asian, 0.081%; no homozygotes.

Submission:

PreventionGenetics, part of Exact Sciences
Classification: Likely benign for PADI4-related condition. Last evaluated: 2019-02-21. Review status: no assertion criteria provided. Collection method: clinical testing. Allele origin: germline.
Comment: This variant is classified as likely benign based on ACMG/AMP sequence variant interpretation guidelines (Richards et al. 2015 PMID: 25741868, with internal and published modifications).